The following is an entry in ClinVar:

ClinVar aggregate classification (germline): Uncertain significance. Review status: criteria provided, multiple submitters, no conflicts (2 of 4 stars). 2 submissions from 2 submitters: Uncertain significance (2). Last evaluated 2024-04-12.

gnomAD v4.1: 1 of 1,597,248 alleles (0.000063%); highest among the groups gnomAD compares: Non-Finnish European, 0.000085%; no homozygotes.

Submissions (2):

GeneDx
Classification: Uncertain significance. Last evaluated: 2024-04-12. Review status: criteria provided, single submitter. Criteria: GeneDx Variant Classification Process June 2021. Collection method: clinical testing. Allele origin: germline. Affected: yes.
Comment: Not observed at significant frequency in large population cohorts (gnomAD); In silico analysis supports that this missense variant has a deleterious effect on protein structure/function; Has not been previously published as pathogenic or benign to our knowledge

Labcorp Genetics (formerly Invitae), Labcorp
Classification: Uncertain significance. Last evaluated: 2024-02-19. Review status: criteria provided, single submitter. Criteria: Invitae Variant Classification Sherloc (09022015). Collection method: clinical testing. Allele origin: germline.
Comment: This sequence change replaces arginine, which is basic and polar, with cysteine, which is neutral and slightly polar, at codon 1619 of the NOTCH3 protein (p.Arg1619Cys). This variant is not present in population databases (gnomAD no frequency). This variant has not been reported in the literature in individuals affected with NOTCH3-related conditions. Advanced modeling of protein sequence and biophysical properties (such as structural, functional, and spatial information, amino acid conservation, physicochemical variation, residue mobility, and thermodynamic stability) has been performed at Invitae for this missense variant, however the output from this modeling did not meet the statistical confidence thresholds required to predict the impact of this variant on NOTCH3 protein function. In summary, the available evidence is currently insufficient to determine the role of this variant in disease. Therefore, it has been classified as a Variant of Uncertain Significance.

NM_000435.3(NOTCH3):c.4855C>T (p.Arg1619Cys)

Gene: NOTCH3 (notch receptor 3; minus strand). Cytogenetic location: 19p13.12.
Variant type: single nucleotide variant.
Coding change: c.4855C>T on transcript NM_000435.3 (MANE Select); coding-DNA position 4855, C replaced by T.
Protein change: p.Arg1619Cys; replaces arginine 1619 with cysteine.
Molecular consequence: missense variant.
Genome position (GRCh38, 1-based): chr19:15,170,707, G>A on the plus strand (C>T on the coding strand, the complement: NOTCH3 is on the minus strand). VCF-style: chr19-15170707-G-A. GRCh37 (hg19) VCF-style: chr19-15281518-G-A.
Other names: short protein forms R1619C.
Identifiers: ClinVar variation 3372447 (VCV003372447.3).